The following is an entry in ClinVar:

NM_002471.4(MYH6):c.4634C>G (p.Ala1545Gly)

Gene: MYH6 (myosin heavy chain 6; minus strand). Cytogenetic location: 14q11.2.
Variant type: single nucleotide variant.
Coding change: c.4634C>G on transcript NM_002471.4 (MANE Select); coding-DNA position 4634, C replaced by G.
Protein change: p.Ala1545Gly; replaces alanine 1545 with glycine.
Molecular consequence: missense variant.
Genome position (GRCh38, 1-based): chr14:23,387,545, G>C on the plus strand (C>G on the coding strand, the complement: MYH6 is on the minus strand). VCF-style: chr14-23387545-G-C. GRCh37 (hg19) VCF-style: chr14-23856754-G-C.
Other names: short protein forms A1545G.
Identifiers: ClinVar variation 3915606 (VCV003915606.1).

ClinVar aggregate classification (germline): Uncertain significance (1 of 4 stars; one submission).

Conditions:
Cardiovascular phenotype. Identifiers: MedGen CN230736.

Submission:

Ambry Genetics
Classification: Uncertain significance for Cardiovascular phenotype. Last evaluated: 2025-05-27. Review status: criteria provided, single submitter. Criteria: Ambry Variant Classification Scheme 2023. Collection method: clinical testing. Allele origin: germline.
Comment: The p.A1545G variant (also known as c.4634C>G), located in coding exon 30 of the MYH6 gene, results from a C to G substitution at nucleotide position 4634. The alanine at codon 1545 is replaced by glycine, an amino acid with similar properties. This amino acid position is conserved. In addition, the in silico prediction for this alteration is inconclusive. Based on the available evidence, the clinical significance of this variant remains unclear.